The following is an entry in ClinVar:

NM_001278512.2(AP3B2):c.2303A>G (p.Lys768Arg)

Genes: AP3B2 (adaptor related protein complex 3 subunit beta 2; minus strand), CPEB1-AS1 (CPEB1 antisense RNA 1; plus strand). Cytogenetic location: 15q25.2.
Variant type: single nucleotide variant.
Coding change: c.2303A>G on transcript NM_001278512.2 (MANE Select); coding-DNA position 2303, A replaced by G.
Protein change: p.Lys768Arg; replaces lysine 768 with arginine.
Molecular consequence: missense variant.
Genome position (GRCh38, 1-based): chr15:82,663,934, T>C on the plus strand (A>G on the coding strand, the complement: AP3B2 is on the minus strand). VCF-style: chr15-82663934-T-C. GRCh37 (hg19) VCF-style: chr15-83332686-T-C.
Other names: c.2150A>G, p.Lys717Arg (NM_001278511.2); c.2246A>G, p.Lys749Arg (NM_004644.5); short protein forms K749R, K768R, K717R.
Identifiers: ClinVar variation 1389267 (VCV001389267.6), dbSNP rs1014349034, ClinGen allele CA273480334.

ClinVar aggregate classification (germline): Uncertain significance (1 of 4 stars; one submission).

Allele frequency attached by ClinVar (database versions not stated): gnomAD exomes below 0.00001; gnomAD 0.00002; TOPMed 0.00002.
gnomAD v4.1: 5 of 1,609,460 alleles (0.00031%); highest among the groups gnomAD compares: African/African-American, 0.0053%; no homozygotes.

Submission:

Labcorp Genetics (formerly Invitae), Labcorp
Classification: Uncertain significance. Last evaluated: 2021-10-25. Review status: criteria provided, single submitter. Criteria: Invitae Variant Classification Sherloc (09022015). Collection method: clinical testing. Allele origin: germline.
Comment: This variant has not been reported in the literature in individuals affected with AP3B2-related conditions. This variant is not present in population databases (ExAC no frequency). This sequence change replaces lysine with arginine at codon 749 of the AP3B2 protein (p.Lys749Arg). The lysine residue is weakly conserved and there is a small physicochemical difference between lysine and arginine. In summary, the available evidence is currently insufficient to determine the role of this variant in disease. Therefore, it has been classified as a Variant of Uncertain Significance. Algorithms developed to predict the effect of missense changes on protein structure and function output the following: SIFT: "Tolerated"; PolyPhen-2: "Benign"; Align-GVGD: "Class C0". The arginine amino acid residue is found in multiple mammalian species, which suggests that this missense change does not adversely affect protein function.